The following is an entry in ClinVar:

NM_024795.4(TM4SF20):c.85C>A (p.Pro29Thr)

Gene: TM4SF20 (transmembrane 4 L six family member 20; minus strand). Cytogenetic location: 2q36.3.
Variant type: single nucleotide variant.
Coding change: c.85C>A on transcript NM_024795.4 (MANE Select); coding-DNA position 85, C replaced by A.
Protein change: p.Pro29Thr; replaces proline 29 with threonine.
Molecular consequence: missense variant.
Genome position (GRCh38, 1-based): chr2:227,379,184, G>T on the plus strand (C>A on the coding strand, the complement: TM4SF20 is on the minus strand). VCF-style: chr2-227379184-G-T. GRCh37 (hg19) VCF-style: chr2-228243900-G-T.
Other names: short protein forms P29T.
Identifiers: ClinVar variation 2155827 (VCV002155827.4), dbSNP rs141914322, ClinGen allele CA2148323.
Genomic context (GRCh38, chr2:227,379,184, plus strand): 5'-CAAAGCAAGAGATGGGGTTTTGAGAAAATTGGTCTTCCTCAACTAAGCTGACAATTAGAG[G>T]TATCGCATTGAGAACTACTCCTAACAGCAGTAGAACCAGCAGGCTGAATCCATTGCAGGA-3'
Protein context (NP_079071.2, residues 19-39): LLLGVVLNAI[Pro29Thr]LIVSLVEEDQ

ClinVar aggregate classification (germline): Uncertain significance (1 of 4 stars; one submission).

Allele frequency attached by ClinVar (database versions not stated): gnomAD exomes 0.00054; ESP Exome Variant Server 0.00062.
gnomAD v4.1: 816 of 1,614,190 alleles (0.051%); highest among the groups gnomAD compares: Non-Finnish European, 0.065%; 3 homozygotes.

Submission:

Labcorp Genetics (formerly Invitae), Labcorp
Classification: Uncertain significance. Last evaluated: 2025-12-23. Review status: criteria provided, single submitter. Criteria: Invitae Variant Classification Sherloc (09022015). Collection method: clinical testing. Allele origin: germline.
Comment: This sequence change replaces proline, which is neutral and non-polar, with threonine, which is neutral and polar, at codon 29 of the TM4SF20 protein (p.Pro29Thr). This variant is present in population databases (rs141914322, gnomAD 0.07%), and has an allele count higher than expected for a pathogenic variant. This variant has not been reported in the literature in individuals affected with TM4SF20-related conditions. ClinVar contains an entry for this variant (Variation ID: 2155827). An algorithm developed to predict the effect of missense changes on protein structure and function (PolyPhen-2) suggests that this variant is likely to be disruptive. In summary, the available evidence is currently insufficient to determine the role of this variant in disease. Therefore, it has been classified as a Variant of Uncertain Significance.